The following is an entry in ClinVar:

NM_177965.4(CFAP418):c.*2163T>C

Gene: CFAP418 (cilia and flagella associated protein 418; minus strand). Cytogenetic location: 8q22.1.
Variant type: single nucleotide variant.
Coding change: c.*2163T>C on transcript NM_177965.4 (MANE Select); 2163 bases downstream of the stop codon, T replaced by C.
Molecular consequence: 3 prime UTR variant.
Genome position (GRCh38, 1-based): chr8:95,245,454, A>G on the plus strand (T>C on the coding strand, the complement: CFAP418 is on the minus strand). VCF-style: chr8-95245454-A-G. GRCh37 (hg19) VCF-style: chr8-96257682-A-G.
Other names: c.*2163T>C (NM_001363260.1).
Identifiers: ClinVar variation 363984 (VCV000363984.6), dbSNP rs75940981, ClinGen allele CA10631814.
Genomic context (GRCh38, chr8:95,245,454, plus strand): 5'-AGGCAATGTATGTAAGTTTTAGGATAGTTATAATGAAATAATAAAAGGGAAAAAAAAACC[A>G]GGACAACTTTGTCCCTTCAAAGTAGAGGCAATGTAGGCTACTTTGGGAGGCTGAGGCGGG-3'

ClinVar aggregate classification (germline): Benign. Review status: criteria provided, multiple submitters, no conflicts (2 of 4 stars). 3 submissions from 2 submitters: Benign (3). Last evaluated 2018-01-12.

Conditions:
Cone-rod dystrophy 16 (CORD16). Identifiers: MedGen C3281045, MONDO:0013786, OMIM 614500.
Retinitis pigmentosa (RP). Identifiers: Orphanet 791, MedGen C0035334, MeSH D012174, MONDO:0019200, OMIM 268000. Inheritance: Autosomal dominant, autosomal recessive and X linked inheritance.

Allele frequency attached by ClinVar (database versions not stated): TOPMed 0.04118; gnomAD 0.04268 and 0.04640; 1000 Genomes Project 30x 0.06746; 1000 Genomes Project 0.07488.

Submissions (3):

Illumina Laboratory Services, Illumina
Classification: Benign for Cone-rod dystrophy 16. Last evaluated: 2018-01-12. Review status: criteria provided, single submitter. Criteria: ICSL Variant Classification Criteria 13 December 2019. Collection method: clinical testing. Allele origin: germline.
Comment: This variant was observed in the ICSL laboratory as part of a predisposition screen in an ostensibly healthy population. It had not been previously curated by ICSL or reported in the Human Gene Mutation Database (HGMD: prior to June 1st, 2018), and was therefore a candidate for classification through an automated scoring system. Utilizing variant allele frequency, disease prevalence and penetrance estimates, and inheritance mode, an automated score was calculated to assess if this variant is too frequent to cause the disease. Based on the score and internal cut-off values, a variant classified as benign is not then subjected to further curation. The score for this variant resulted in a classification of benign for this disease.

Illumina Laboratory Services, Illumina
Classification: Benign for Retinitis pigmentosa. Last evaluated: 2018-01-12. Review status: criteria provided, single submitter. Criteria: ICSL Variant Classification Criteria 13 December 2019. Collection method: clinical testing. Allele origin: germline.
Comment: the same text as in the submission from Illumina Laboratory Services, Illumina above.

Breakthrough Genomics
Classification: Benign. Review status: criteria provided, single submitter. Criteria: ACMG Guidelines, 2015. Collection method: not provided. Allele origin: germline. Inheritance: Unknown mechanism. Affected: yes.